The following is an entry in ClinVar:

NM_033026.6(PCLO):c.9982C>G (p.Pro3328Ala)

Gene: PCLO (piccolo presynaptic cytomatrix protein; minus strand). Cytogenetic location: 7q21.11.
Variant type: single nucleotide variant.
Coding change: c.9982C>G on transcript NM_033026.6 (MANE Select); coding-DNA position 9982, C replaced by G.
Protein change: p.Pro3328Ala; replaces proline 3328 with alanine.
Molecular consequence: missense variant.
Genome position (GRCh38, 1-based): chr7:82,950,606, G>C on the plus strand (C>G on the coding strand, the complement: PCLO is on the minus strand). VCF-style: chr7-82950606-G-C. GRCh37 (hg19) VCF-style: chr7-82579922-G-C.
Other names: c.9982C>G, p.Pro3328Ala (NM_014510.3); short protein forms P3328A.
Identifiers: ClinVar variation 1350733 (VCV001350733.3), dbSNP rs745971591, ClinGen allele CA4319814.

ClinVar aggregate classification (germline): Uncertain significance (1 of 4 stars; one submission).

Allele frequency attached by ClinVar (database versions not stated): ExAC 0.00001; gnomAD 0.00001.
gnomAD v4.1: 11 of 1,613,724 alleles (0.00068%); highest among the groups gnomAD compares: Middle Eastern, 0.016%; no homozygotes.

Submission:

Labcorp Genetics (formerly Invitae), Labcorp
Classification: Uncertain significance. Last evaluated: 2022-10-17. Review status: criteria provided, single submitter. Criteria: Invitae Variant Classification Sherloc (09022015). Collection method: clinical testing. Allele origin: germline.
Comment: This sequence change replaces proline, which is neutral and non-polar, with alanine, which is neutral and non-polar, at codon 3328 of the PCLO protein (p.Pro3328Ala). This variant is present in population databases (rs745971591, gnomAD 0.003%). This variant has not been reported in the literature in individuals affected with PCLO-related conditions. ClinVar contains an entry for this variant (Variation ID: 1350733). Algorithms developed to predict the effect of missense changes on protein structure and function are either unavailable or do not agree on the potential impact of this missense change (SIFT: "Deleterious"; PolyPhen-2: "Not Available"; Align-GVGD: "Class C0"). In summary, the available evidence is currently insufficient to determine the role of this variant in disease. Therefore, it has been classified as a Variant of Uncertain Significance.